The following is an entry in ClinVar:

ClinVar aggregate classification (germline): Uncertain significance (1 of 4 stars; one submission).

Conditions:
Genitourinary and/or brain malformation syndrome (GUBS). Also called: PPP1R12A-Related Urogenital and/or Brain Malformation Syndrome. Identifiers: MedGen C5394158, MONDO:0032934, OMIM 618820.

Submission:

Illumina Laboratory Services, Illumina
Classification: Uncertain significance for Genitourinary and/or brain malformation syndrome. Last evaluated: 2020-05-27. Review status: criteria provided, single submitter. Criteria: ICSLVariantClassificationCriteria RUGD 01 April 2020. Collection method: clinical testing. Allele origin: unknown.
Comment: The PPP1R12A c.2789C>G (p.Thr930Ser) variant is a missense variant. A literature search was performed for the gene, cDNA change, and amino acid change. No publications were identified through this search. This variant is not found in the Genome Aggregation Database in a region of good sequence coverage, suggesting it is rare. To date, all reported pathogenic variants in the PPP1R12A gene have been predicted null variants, and the majority were proven de novo (Hughes et al. 2020). Based on the limited evidence available, the p.Thr930Ser variant is classified as a variant of uncertain significance for genitourinary and/or brain malformation syndrome.

Literature cited by the submitters: PubMed 31883643.

NM_002480.3(PPP1R12A):c.2789C>G (p.Thr930Ser)

Gene: PPP1R12A (protein phosphatase 1 regulatory subunit 12A; minus strand). Cytogenetic location: 12q21.2.
Variant type: single nucleotide variant.
Coding change: c.2789C>G on transcript NM_002480.3 (MANE Select); coding-DNA position 2789, C replaced by G.
Protein change: p.Thr930Ser; replaces threonine 930 with serine.
Molecular consequence: missense variant.
Genome position (GRCh38, 1-based): chr12:79,788,661, G>C on the plus strand (C>G on the coding strand, the complement: PPP1R12A is on the minus strand). VCF-style: chr12-79788661-G-C. GRCh37 (hg19) VCF-style: chr12-80182441-G-C.
Other names: c.2789C>G, p.Thr930Ser (NM_001143885.2, NM_001244990.2); c.2528C>G, p.Thr843Ser (NM_001143886.2); c.2621C>G, p.Thr874Ser (NM_001244992.1); short protein forms T843S, T874S, T930S.
Identifiers: ClinVar variation 989299 (VCV000989299.4), dbSNP rs1871411076, ClinGen allele CA385839201.
Genomic context (GRCh38, chr12:79,788,661, plus strand): 5'-ACATAAAAGATAACTTTTTATTAAATATAACTAAATAACCCAAGTACCTTTTTAAAGTCA[G>C]TTGAGTCATCCTTTTCTAGCCTGCTGCTGTAAGGTTTTCTTTCTTCTAAGTAACTGTATG-3'
Protein context (NP_002471.1, residues 920-940): YSSRLEKDDS[Thr930Ser]DFKKLYEQIL